The following is an entry in ClinVar:

ClinVar aggregate classification (germline): Benign (1 of 4 stars; one submission).

Conditions:
Vitreoretinopathy. Also called: Vitreoretinal degeneration. Identifiers: MedGen C0344290, MONDO:0020248, HP:0007773.

Allele frequency attached by ClinVar (database versions not stated): gnomAD 0.00007 and 0.00087; TOPMed 0.00025; gnomAD exomes 0.00231; 1000 Genomes Project 30x 0.00593; 1000 Genomes Project 0.00659.
gnomAD v4.1: 1,219 of 631,826 alleles (0.19%); highest among the groups gnomAD compares: South Asian, 2.1%; 32 homozygotes.

Submission:

Illumina Laboratory Services, Illumina
Classification: Benign for Vitreoretinopathy. Last evaluated: 2018-01-13. Review status: criteria provided, single submitter. Criteria: ICSL Variant Classification Criteria 13 December 2019. Collection method: clinical testing. Allele origin: germline.
Comment: This variant was observed in the ICSL laboratory as part of a predisposition screen in an ostensibly healthy population. It had not been previously curated by ICSL or reported in the Human Gene Mutation Database (HGMD: prior to June 1st, 2018), and was therefore a candidate for classification through an automated scoring system. Utilizing variant allele frequency, disease prevalence and penetrance estimates, and inheritance mode, an automated score was calculated to assess if this variant is too frequent to cause the disease. Based on the score and internal cut-off values, a variant classified as benign is not then subjected to further curation. The score for this variant resulted in a classification of benign for this disease.

NM_004385.5(VCAN):c.*218G>A

Gene: VCAN (versican; plus strand). Cytogenetic location: 5q14.3.
Variant type: single nucleotide variant.
Coding change: c.*218G>A on transcript NM_004385.5 (MANE Select); 218 bases downstream of the stop codon, G replaced by A.
Molecular consequence: 3 prime UTR variant.
Genome position (GRCh38, 1-based): chr5:83,580,652, G>A. VCF-style: chr5-83580652-G-A. GRCh37 (hg19) VCF-style: chr5-82876471-G-A.
Other names: c.*218G>A (NM_001126336.3, NM_001164097.2, NM_001164098.2).
Identifiers: ClinVar variation 354472 (VCV000354472.6), dbSNP rs532122355, ClinGen allele CA10620921.
Genomic context (GRCh38, chr5:83,580,652, plus strand): 5'-AAAGTATTGGCATTCAAAAAGACAGCAGACAAAATGAAAGAAAATGAGAGCAGAAAGTAA[G>A]CATTTCCAGCCTATCTAATTTCTTTAGTTTTCTATTTGCCTCCAGTGCAGTCCATTTCCT-3'